The following is an entry in ClinVar:

ClinVar aggregate classification (germline): Uncertain significance (1 of 4 stars; one submission).

Submission:

Greenwood Genetic Center Diagnostic Laboratories, Greenwood Genetic Center
Classification: Uncertain significance. Last evaluated: 2022-06-03. Review status: criteria provided, single submitter. Criteria: ACMG Guidelines, 2015. Collection method: clinical testing. Allele origin: germline. Affected: yes.
Comment: Gene of Uncertain Significance

NM_012285.3(KCNH4):c.1390+1G>A

Genes: KCNH4 (potassium voltage-gated channel subfamily H member 4; minus strand), LOC125177479 (Sharpr-MPRA regulatory region 11697; plus strand). Cytogenetic location: 17q21.2.
Variant type: single nucleotide variant.
Coding change: c.1390+1G>A on transcript NM_012285.3 (MANE Select); the canonical splice donor site of the intron after coding-DNA position 1390, G replaced by A.
Molecular consequence: splice donor variant.
Genome position (GRCh38, 1-based): chr17:42,170,106, C>T on the plus strand (G>A on the coding strand, the complement: KCNH4 is on the minus strand). VCF-style: chr17-42170106-C-T. GRCh37 (hg19) VCF-style: chr17-40322124-C-T.
Identifiers: ClinVar variation 1703091 (VCV001703091.3), dbSNP rs2544124302, ClinGen allele CA399571063.
Genomic context (GRCh38, chr17:42,170,106, plus strand): 5'-GTTTCCCCGTGCATGCTGGGCTTCGCAGGGCCCCACTGAGGCGTGGCAGGTCTGGCCTCA[C>T]CGCCTATGAGCATCGTGCAGATGGAGAAGATCTTCTCCGCGTCGGTGTTGGCACACACGT-3'